The following is an entry in ClinVar:

ClinVar aggregate classification (germline): Uncertain significance (1 of 4 stars; one submission).

Conditions:
EGFR-related lung cancer (EGFR). Identifiers: MedGen CN130014.

Submission:

Labcorp Genetics (formerly Invitae), Labcorp
Classification: Uncertain significance for EGFR-related lung cancer. Last evaluated: 2022-04-12. Review status: criteria provided, single submitter. Criteria: Invitae Variant Classification Sherloc (09022015). Collection method: clinical testing. Allele origin: germline.
Comment: In summary, the available evidence is currently insufficient to determine the role of this variant in disease. Therefore, it has been classified as a Variant of Uncertain Significance. Algorithms developed to predict the effect of missense changes on protein structure and function are either unavailable or do not agree on the potential impact of this missense change (SIFT: "Deleterious"; PolyPhen-2: "Probably Damaging"; Align-GVGD: "Class C15"). This variant has not been reported in the literature in individuals affected with EGFR-related conditions. This variant is not present in population databases (gnomAD no frequency). This sequence change replaces arginine, which is basic and polar, with glycine, which is neutral and non-polar, at codon 222 of the EGFR protein (p.Arg222Gly).

NM_005228.5(EGFR):c.664C>G (p.Arg222Gly)

Gene: EGFR (epidermal growth factor receptor; plus strand). Cytogenetic location: 7p11.2.
Variant type: single nucleotide variant.
Coding change: c.664C>G on transcript NM_005228.5 (MANE Select); coding-DNA position 664, C replaced by G.
Protein change: p.Arg222Gly; replaces arginine 222 with glycine.
Molecular consequence: missense variant. On other transcripts: intron variant (1).
Genome position (GRCh38, 1-based): chr7:55,152,581, C>G. VCF-style: chr7-55152581-C-G. GRCh37 (hg19) VCF-style: chr7-55220274-C-G.
Other names: c.529C>G, p.Arg177Gly (NM_001346897.2, NM_001346899.2); c.664C>G, p.Arg222Gly (NM_001346898.2, NM_201282.2, NM_201283.2 and 1 more transcripts); c.505C>G, p.Arg169Gly (NM_001346900.2); c.89-3249C>G (NM_001346941.2); short protein forms R169G, R177G, R222G.
Identifiers: ClinVar variation 2124550 (VCV002124550.4), dbSNP rs1785212573, ClinGen allele CA367577390.